The following is an entry in ClinVar:

NM_018180.3(DHX32):c.896del (p.Asn299fs)

Gene: DHX32 (DEAH-box helicase 32 (putative); minus strand). Cytogenetic location: 10q26.2.
Variant type: Deletion.
Coding change: c.896del on transcript NM_018180.3 (MANE Select); coding-DNA position 896, one base deleted (A; older notation c.896delA).
Protein change: p.Asn299fs; shifts the reading frame from asparagine 299.
Molecular consequence: frameshift variant.
Genome position (GRCh38, 1-based): chr10:125,854,157, T deleted on the plus strand (A on the coding strand, the reverse complement: DHX32 is on the minus strand); the first of 3 consecutive T bases (chr10:125,854,157-125,854,159); deleting any one gives the same sequence. VCF-style (leftmost placement, unchanged base first): chr10-125854156-GT-G. GRCh37 (hg19) VCF-style: chr10-127542725-GT-G.
Other names: short protein forms N299fs.
Identifiers: ClinVar variation 2415259 (VCV002415259.6), dbSNP rs764421759, ClinGen allele CA5739353.
Genomic context (GRCh38, chr10:125,854,156, plus strand): 5'-GAACAATGAACATTTCTCTTTTGGATACAAAGGAACAACCACCAGTTCTCCAAGATCTGG[GT>G]TTAGGTTAGATCCTTGATAGACAGTTTCACAGACTTTCTCAATATCCTAAAGAAAAAAAA-3'

ClinVar aggregate classification (germline): Uncertain significance (1 of 4 stars; one submission).

Submission:

Labcorp Genetics (formerly Invitae), Labcorp
Classification: Uncertain significance. Last evaluated: 2025-01-29. Review status: criteria provided, single submitter. Criteria: Invitae Variant Classification Sherloc (09022015). Collection method: clinical testing. Allele origin: germline.
Comment: This sequence change creates a premature translational stop signal (p.Asn299Thrfs*40) in the DHX32 gene. It is expected to result in an absent or disrupted protein product. However, the current clinical and genetic evidence is not sufficient to establish whether loss-of-function variants in DHX32 cause disease. This variant is present in population databases (rs764421759, gnomAD 0.003%). This variant has not been reported in the literature in individuals affected with DHX32-related conditions. ClinVar contains an entry for this variant (Variation ID: 2415259). In summary, the available evidence is currently insufficient to determine the role of this variant in disease. Therefore, it has been classified as a Variant of Uncertain Significance.